The following is an entry in ClinVar:

ClinVar aggregate classification (germline): Likely benign (0 of 4 stars; one submission).

Conditions:
FRMPD4-related disorder. Also called: FRMPD4-related condition.

gnomAD v4.1: 25 of 1,207,861 alleles (0.0021%); highest among the groups gnomAD compares: African/African-American, 0.007%; no homozygotes.

Submission:

PreventionGenetics, part of Exact Sciences
Classification: Likely benign for FRMPD4-related condition. Last evaluated: 2019-04-15. Review status: no assertion criteria provided. Collection method: clinical testing. Allele origin: germline.
Comment: This variant is classified as likely benign based on ACMG/AMP sequence variant interpretation guidelines (Richards et al. 2015 PMID: 25741868, with internal and published modifications).

NM_001368397.1(FRMPD4):c.2184G>A (p.Ala728=)

Gene: FRMPD4 (FERM and PDZ domain containing 4; plus strand). Cytogenetic location: Xp22.2.
Variant type: single nucleotide variant.
Coding change: c.2184G>A on transcript NM_001368397.1 (MANE Select); coding-DNA position 2184, G replaced by A.
Protein change: p.Ala728=; no amino-acid change (alanine 728 retained).
Molecular consequence: synonymous variant.
Genome position (GRCh38, 1-based): chrX:12,716,643, G>A. VCF-style: chrX-12716643-G-A. GRCh37 (hg19) VCF-style: chrX-12734762-G-A.
Other names: c.2295G>A, p.Ala765= (NM_001368395.3, NM_001368398.3); c.2190G>A, p.Ala730= (NM_001368396.3); c.2175G>A, p.Ala725= (NM_001368399.3); c.2064G>A, p.Ala688= (NM_001368400.3); c.2160G>A, p.Ala720= (NM_001368401.1, NM_001368402.3); c.2184G>A, p.Ala728= (NM_014728.3).
Identifiers: ClinVar variation 3354243 (VCV003354243.1).